The following is an entry in ClinVar:

NM_001032283.3(TMPO):c.856A>G (p.Met286Val)

Gene: TMPO (thymopoietin; plus strand). Cytogenetic location: 12q23.1.
Variant type: single nucleotide variant.
Coding change: c.856A>G on transcript NM_001032283.3 (MANE Select); coding-DNA position 856, A replaced by G.
Protein change: p.Met286Val; replaces methionine 286 with valine.
Molecular consequence: missense variant. On other transcripts: intron variant (1).
Genome position (GRCh38, 1-based): chr12:98,544,514, A>G. VCF-style: chr12-98544514-A-G. GRCh37 (hg19) VCF-style: chr12-98938292-A-G.
Other names: c.736A>G, p.Met246Val (NM_001307975.2); c.664-1845A>G (NM_001032284.3); short protein forms M286V, M246V.
Identifiers: ClinVar variation 191795 (VCV000191795.1), dbSNP rs199594991, ClinGen allele CA237571.

ClinVar aggregate classification (germline): Uncertain significance (1 of 4 stars; one submission).

Allele frequency attached by ClinVar (database versions not stated): ExAC 0.00001; gnomAD exomes 0.00002; gnomAD 0.00003 and 0.00004; TOPMed 0.00003; ESP Exome Variant Server 0.00008.
gnomAD v4.1: 32 of 1,613,416 alleles (0.002%); highest among the groups gnomAD compares: Middle Eastern, 0.016%; no homozygotes.

Submission:

Biesecker Lab/Clinical Genomics Section, National Institutes of Health
Classification: Uncertain significance. Last evaluated: 2013-06-24. Review status: criteria provided, single submitter. Criteria: Ng et al. (Circ Cardiovasc Genet. 2013). Collection method: research. Allele origin: unknown. Observed: 1 variant allele. Study: ClinSeq.
Comment: The study set was not selected for affection status in relation to any cancer. Pathogenicity categories were based on literature curation. See Pubmed ID:23861362 for details.

Medical sequencing